The following is an entry in ClinVar:

ClinVar aggregate classification (germline): Uncertain significance (1 of 4 stars; one submission).

Allele frequency attached by ClinVar (database versions not stated): TOPMed 0.00006; gnomAD 0.00007; ESP Exome Variant Server 0.00008; gnomAD exomes 0.00010; ExAC 0.00012; 1000 Genomes Project 30x 0.00016.
gnomAD v4.1: 165 of 1,613,826 alleles (0.01%); highest among the groups gnomAD compares: Middle Eastern, 0.49%; 1 homozygote.

Submission:

Mayo Clinic Laboratories, Mayo Clinic
Classification: Uncertain significance. Last evaluated: 2023-02-01. Review status: criteria provided, single submitter. Criteria: ACMG Guidelines, 2015. Collection method: clinical testing. Allele origin: germline. Observed: 1 variant allele.
Comment: BP4, PM2_supporting

NM_018429.3(BDP1):c.2132C>G (p.Pro711Arg)

Gene: BDP1 (BDP1 general transcription factor IIIB subunit; plus strand). Cytogenetic location: 5q13.2.
Variant type: single nucleotide variant.
Coding change: c.2132C>G on transcript NM_018429.3 (MANE Select); coding-DNA position 2132, C replaced by G.
Protein change: p.Pro711Arg; replaces proline 711 with arginine.
Molecular consequence: missense variant.
Genome position (GRCh38, 1-based): chr5:71,502,682, C>G. VCF-style: chr5-71502682-C-G. GRCh37 (hg19) VCF-style: chr5-70798509-C-G.
Other names: p.Pro711Arg; short protein forms P711R.
Identifiers: ClinVar variation 2682888 (VCV002682888.1), dbSNP rs200444472, ClinGen allele CA3296190.